The following is an entry in ClinVar:

ClinVar aggregate classification (germline): Uncertain significance. Review status: criteria provided, multiple submitters, no conflicts (2 of 4 stars). 2 submissions from 2 submitters: Uncertain significance (2). Last evaluated 2024-06-01.

Allele frequency attached by ClinVar (database versions not stated): gnomAD 0.00005; ExAC 0.00007; ESP Exome Variant Server 0.00008; TOPMed 0.00008; gnomAD exomes 0.00009.
gnomAD v4.1: 145 of 1,611,814 alleles (0.009%); highest among the groups gnomAD compares: Middle Eastern, 0.083%; no homozygotes.

Submissions (2):

CeGaT Center for Human Genetics Tuebingen
Classification: Uncertain significance. Last evaluated: 2024-06-01. Review status: criteria provided, single submitter. Criteria: CeGaT Center For Human Genetics Tuebingen Variant Classification Criteria Version 2. Collection method: clinical testing. Allele origin: germline. Affected: yes. Observed: 1 variant allele.
Comment: UNC13A: PM2

Ambry Genetics
Classification: Uncertain significance. Last evaluated: 2023-12-08. Review status: criteria provided, single submitter. Criteria: Ambry Variant Classification Scheme 2023. Collection method: clinical testing. Allele origin: germline.

NM_001080421.3(UNC13A):c.3971G>T (p.Ser1324Ile)

Gene: UNC13A (unc-13 homolog A; minus strand). Cytogenetic location: 19p13.11.
Variant type: single nucleotide variant.
Coding change: c.3971G>T on transcript NM_001080421.3 (MANE Select); coding-DNA position 3971, G replaced by T.
Protein change: p.Ser1324Ile; replaces serine 1324 with isoleucine.
Molecular consequence: missense variant.
Genome position (GRCh38, 1-based): chr19:17,626,735, C>A on the plus strand (G>T on the coding strand, the complement: UNC13A is on the minus strand). VCF-style: chr19-17626735-C-A. GRCh37 (hg19) VCF-style: chr19-17737544-C-A.
Other names: c.3965G>T, p.Ser1322Ile (NM_001387021.1, NM_001387023.1); c.3962G>T, p.Ser1321Ile (NM_001387022.1); short protein forms S1322I, S1321I, S1324I.
Identifiers: ClinVar variation 3186464 (VCV003186464.19), dbSNP rs201487315, ClinGen allele CA9297864.